The following is an entry in ClinVar:

ClinVar aggregate classification (germline): Uncertain significance. Review status: criteria provided, multiple submitters, no conflicts (2 of 4 stars). 8 submissions from 8 submitters: Uncertain significance (8). Last evaluated 2026-06-10.

Conditions:
MITF-related disorder. Also called: MITF-related condition.
Melanoma, cutaneous malignant, susceptibility to, 8. Also called: MELANOMA AND RENAL CELL CARCINOMA, SUSCEPTIBILITY TO; Cutaneous malignant melanoma 8. Identifiers: Orphanet 293822, MedGen C3152204, MONDO:0013759, OMIM 614456.
Tietz syndrome (TADS). Also called: ALBINISM-DEAFNESS OF TIETZ; HYPOPIGMENTATION/DEAFNESS OF TIETZ; TIETZ ALBINISM-DEAFNESS SYNDROME. Identifiers: Orphanet 42665, MedGen C0391816, MONDO:0007077, OMIM 103500.
Waardenburg syndrome type 2A (WS2A). Also called: WAARDENBURG SYNDROME WITHOUT DYSTOPIA CANTHORUM. Identifiers: Orphanet 3440, MedGen C1860339, MONDO:0008671, OMIM 193510.
Hereditary cancer-predisposing syndrome. Also called: Tumor predisposition; Hereditary neoplastic syndrome; Neoplastic Syndromes, Hereditary; Hereditary Cancer Syndrome. Identifiers: Orphanet 140162, MedGen C0027672, MeSH D009386, MONDO:0015356.

Allele frequency attached by ClinVar (database versions not stated): gnomAD exomes 0.00003; TOPMed 0.00003; gnomAD 0.00004.
gnomAD v4.1: 51 of 1,613,750 alleles (0.0032%); highest among the groups gnomAD compares: African/African-American, 0.004%; no homozygotes.

Submissions (8):

PreventionGenetics, part of Exact Sciences
Classification: Uncertain significance for MITF-related condition. Last evaluated: 2026-06-10. Review status: criteria provided, single submitter. Criteria: ACMG Guidelines, 2015. Collection method: clinical testing. Allele origin: germline.
Comment: The MITF c.836G>A variant is predicted to result in the amino acid substitution p.Arg279Gln. To our knowledge, this variant has not been reported in the literature. This variant is reported in 0.0040% of alleles in individuals of European (Finnish) descent in gnomAD. At this time, the clinical significance of this variant is uncertain due to the absence of conclusive functional and genetic evidence.

Labcorp Genetics (formerly Invitae), Labcorp
Classification: Uncertain significance for Melanoma, cutaneous malignant, susceptibility to, 8; Waardenburg syndrome type 2A; Tietz syndrome. Last evaluated: 2026-01-20. Review status: criteria provided, single submitter. Criteria: Invitae Variant Classification Sherloc (09022015). Collection method: clinical testing. Allele origin: germline.
Comment: This sequence change replaces arginine, which is basic and polar, with glutamine, which is neutral and polar, at codon 279 of the MITF protein (p.Arg279Gln). This variant is present in population databases (rs775320252, gnomAD 0.004%). This variant has not been reported in the literature in individuals affected with MITF-related conditions. ClinVar contains an entry for this variant (Variation ID: 809506). Invitae Evidence Modeling of protein sequence and biophysical properties (such as structural, functional, and spatial information, amino acid conservation, physicochemical variation, residue mobility, and thermodynamic stability) indicates that this missense variant is not expected to disrupt MITF protein function with a negative predictive value of 80%. In summary, the available evidence is currently insufficient to determine the role of this variant in disease. Therefore, it has been classified as a Variant of Uncertain Significance.

CeGaT Center for Human Genetics Tuebingen
Classification: Uncertain significance. Last evaluated: 2025-04-01. Review status: criteria provided, single submitter. Criteria: CeGaT Center For Human Genetics Tuebingen Variant Classification Criteria Version 2. Collection method: clinical testing. Allele origin: germline. Affected: yes. Observed: 1 variant allele.
Comment: MITF: PM2

Ambry Genetics
Classification: Uncertain significance for Hereditary cancer-predisposing syndrome. Last evaluated: 2024-11-18. Review status: criteria provided, single submitter. Criteria: Ambry Variant Classification Scheme 2023. Collection method: clinical testing. Allele origin: germline.
Comment: The p.R279Q variant (also known as c.836G>A), located in coding exon 8 of the MITF gene, results from a G to A substitution at nucleotide position 836. The arginine at codon 279 is replaced by glutamine, an amino acid with highly similar properties. This amino acid position is conserved. In addition, the in silico prediction for this alteration is inconclusive. Based on the available evidence, the clinical significance of this variant remains unclear.

Blueprint Genetics
Classification: Uncertain significance. Last evaluated: 2024-02-20. Review status: criteria provided, single submitter. Criteria: ACMG Guidelines, 2015. Collection method: clinical testing. Allele origin: germline.

GeneDx
Classification: Uncertain significance. Last evaluated: 2023-10-11. Review status: criteria provided, single submitter. Criteria: GeneDx Variant Classification Process June 2021. Collection method: clinical testing. Allele origin: germline.
Comment: Not observed at significant frequency in large population cohorts (gnomAD); In silico analysis supports that this missense variant has a deleterious effect on protein structure/function; Has not been previously published as pathogenic or benign to our knowledge

Institute for Clinical Genetics, University Hospital TU Dresden, University Hospital TU Dresden
Classification: Uncertain significance. Last evaluated: 2021-11-03. Review status: criteria provided, single submitter. Criteria: ACMG Guidelines, 2015. Collection method: clinical testing. Allele origin: germline.

Sema4
Classification: Uncertain significance for Hereditary cancer-predisposing syndrome. Last evaluated: 2021-04-20. Review status: criteria provided, single submitter. Criteria: Sema4 Curation Guidelines. Collection method: curation. Allele origin: germline.
Comment: The MITF c.836G>A (p.R279Q) variant has not been reported in the literature to our knowledge. This variant was observed in 1/25112 chromosomes in the European Finnish population in the large and broad cohorts of the Genome Aggregation Database. The variant has been reported in Clinvar (Variation ID 809506). In silico tools suggest the impact of the variant on protein function to be inconclusive, although these predictions have not been confirmed by functional studies. The overall evidence is insufficient to meet ACMG/AMP criteria for classifying it as benign or pathogenic. Thus, the clinical significance of this variant is currently uncertain.

NM_001354604.2(MITF):c.1157G>A (p.Arg386Gln)

Gene: MITF (melanocyte inducing transcription factor; plus strand). Cytogenetic location: 3p13.
Variant type: single nucleotide variant.
Coding change: c.1157G>A on transcript NM_001354604.2 (MANE Select); coding-DNA position 1157, G replaced by A.
Protein change: p.Arg386Gln; replaces arginine 386 with glutamine.
Molecular consequence: missense variant.
Genome position (GRCh38, 1-based): chr3:69,959,398, G>A. VCF-style: chr3-69959398-G-A. GRCh37 (hg19) VCF-style: chr3-70008549-G-A.
Other names: c.836G>A, p.Arg279Gln (NM_000248.4); c.983G>A, p.Arg328Gln (NM_001184967.2, NM_001354608.2); c.1154G>A, p.Arg385Gln (NM_001354605.2); c.1136G>A, p.Arg379Gln (NM_001354606.2, NM_006722.3); c.1088G>A, p.Arg363Gln (NM_001354607.2); c.818G>A, p.Arg273Gln (NM_198158.3); c.1139G>A, p.Arg380Gln (NM_198159.3); c.1091G>A, p.Arg364Gln (NM_198177.3); and 1 more; short protein forms R217Q, R328Q, R364Q, R386Q, R273Q, R363Q, R379Q, R279Q.
Identifiers: ClinVar variation 809506 (VCV000809506.37), dbSNP rs775320252, ClinGen allele CA2490584.
Genomic context (GRCh38, chr3:69,959,398, plus strand): 5'-GAGAACAGCAACGCGCAAAAGAACTTGAAAACCGACAGAAGAAACTGGAGCACGCCAACC[G>A]GCATTTGTTGCTCAGAATACAGGTACGCAGCCTGAGTTGTGTAAAGTTTACTGCTTTTTA-3'
Protein context (NP_001341533.1, residues 376-396): NRQKKLEHAN[Arg386Gln]HLLLRIQELE